The following is an entry in ClinVar:

NM_052947.4(ALPK2):c.2261G>A (p.Gly754Asp)

Gene: ALPK2 (alpha kinase 2; minus strand). Cytogenetic location: 18q21.31.
Variant type: single nucleotide variant.
Coding change: c.2261G>A on transcript NM_052947.4 (MANE Select); coding-DNA position 2261, G replaced by A.
Protein change: p.Gly754Asp; replaces glycine 754 with aspartic acid.
Molecular consequence: missense variant.
Genome position (GRCh38, 1-based): chr18:58,537,926, C>T on the plus strand (G>A on the coding strand, the complement: ALPK2 is on the minus strand). VCF-style: chr18-58537926-C-T. GRCh37 (hg19) VCF-style: chr18-56205158-C-T.
Other names: short protein forms G754D.
Identifiers: ClinVar variation 1788645 (VCV001788645.2), dbSNP rs1486776261, ClinGen allele CA402571141.
Genomic context (GRCh38, chr18:58,537,926, plus strand): 5'-ACAGCCACAGGCTCCCTGAAGTCAGCACGAGCATCCTTGGGGAGATGCCTTGAGAACACA[C>T]CTGGGGACATAGTCTCATCATTGGCTTCTGAGATGCTCTGCTCATATTTTAGGTCTTCCC-3'
Protein context (NP_443179.3, residues 744-764): SEANDETMSP[Gly754Asp]VFSRHLPKDA

ClinVar aggregate classification (germline): Uncertain significance (1 of 4 stars; one submission).

Allele frequency attached by ClinVar (database versions not stated): TOPMed below 0.00001.

Submission:

Ambry Genetics
Classification: Uncertain significance. Last evaluated: 2021-11-22. Review status: criteria provided, single submitter. Criteria: Ambry Variant Classification Scheme 2023. Collection method: clinical testing. Allele origin: germline.
Comment: The p.G754D variant (also known as c.2261G>A), located in coding exon 4 of the ALPK2 gene, results from a G to A substitution at nucleotide position 2261. The glycine at codon 754 is replaced by aspartic acid, an amino acid with similar properties. This amino acid position is conserved. In addition, this alteration is predicted to be tolerated by in silico analysis. Since supporting evidence is limited at this time, the clinical significance of this alteration remains unclear.